The following is an entry in ClinVar:

ClinVar aggregate classification (germline): Uncertain significance (1 of 4 stars; one submission).

Conditions:
Combined immunodeficiency due to ORAI1 deficiency. Also called: IMMUNODEFICIENCY 9. Identifiers: Orphanet 169090, Orphanet 317428, MedGen C2748568, MONDO:0013007, OMIM 612782.
Myopathy, tubular aggregate, 2 (TAM2). Identifiers: MedGen C4014557, MONDO:0014383, OMIM 615883.

Submission:

Labcorp Genetics (formerly Invitae), Labcorp
Classification: Uncertain significance for Myopathy, tubular aggregate, 2; Combined immunodeficiency due to ORAI1 deficiency. Last evaluated: 2022-04-25. Review status: criteria provided, single submitter. Criteria: Invitae Variant Classification Sherloc (09022015). Collection method: clinical testing. Allele origin: germline.
Comment: In summary, the available evidence is currently insufficient to determine the role of this variant in disease. Therefore, it has been classified as a Variant of Uncertain Significance. Experimental studies and prediction algorithms are not available or were not evaluated, and the functional significance of this variant is currently unknown. This variant has not been reported in the literature in individuals affected with ORAI1-related conditions. Information on the frequency of this variant in the gnomAD database is not available, as this variant may be reported differently in the database. This sequence change replaces proline, which is neutral and non-polar, with glutamine, which is neutral and polar, at codon 293 of the ORAI1 protein (p.Pro293Gln).

NC_000012.12:g.121641615_121641616delinsAG

Gene: ORAI1 (ORAI calcium release-activated calcium modulator 1; plus strand). Cytogenetic location: 12q24.31.
Variant type: Indel.
Genome position: GRCh38 VCF-style: chr12-121641615-CC-AG. GRCh37 (hg19) VCF-style: chr12-122079521-CC-AG.
Other names: c.878_879delCCinsAG, p.Pro293Gln (NM_032790.4); short protein forms P293Q.
Identifiers: ClinVar variation 2130433 (VCV002130433.4), dbSNP rs2503544897, ClinGen allele CA2580085921.